The following is an entry in ClinVar:

ClinVar aggregate classification (germline): Conflicting classifications of pathogenicity. Review status: criteria provided, conflicting classifications (1 of 4 stars). 7 submissions from 7 submitters: Uncertain significance (6); Likely benign (1). Last evaluated 2025-10-01.

Conditions:
Idiopathic hypereosinophilic syndrome (HES). Identifiers: Orphanet 3260, MedGen C0206141, MONDO:0011895, OMIM 607685. Disease mechanism: gain of function.
Polyps, multiple and recurrent inflammatory fibroid, gastrointestinal. Identifiers: MedGen C5193005, MONDO:0008285, OMIM 175510.
Hereditary cancer-predisposing syndrome. Also called: Hereditary neoplastic syndrome; Neoplastic Syndromes, Hereditary; Hereditary Cancer Syndrome; Tumor predisposition. Identifiers: Orphanet 140162, MedGen C0027672, MeSH D009386, MONDO:0015356.
Gastrointestinal stromal tumor. Also called: Gastrointestinal stromal tumor, somatic; Gastrointestinal stroma tumor. Identifiers: Orphanet 44890, MedGen C0238198, MeSH D046152, MONDO:0011719, OMIM 606764, HP:0100723.

Allele frequency attached by ClinVar (database versions not stated): ExAC 0.00001; gnomAD exomes 0.00001 and 0.00002; TOPMed 0.00001; gnomAD 0.00002.
gnomAD v4.1: 26 of 1,607,342 alleles (0.0016%); highest among the groups gnomAD compares: East Asian, 0.0045%; no homozygotes.

Submissions (7):

Labcorp Genetics (formerly Invitae), Labcorp
Classification: Uncertain significance for Gastrointestinal stromal tumor. Last evaluated: 2025-10-01. Review status: criteria provided, single submitter. Criteria: Invitae Variant Classification Sherloc (09022015). Collection method: clinical testing. Allele origin: germline.
Comment: This sequence change replaces threonine, which is neutral and polar, with methionine, which is neutral and non-polar, at codon 632 of the PDGFRA protein (p.Thr632Met). This variant is present in population databases (rs572964298, gnomAD 0.003%). This variant has not been reported in the literature in individuals affected with PDGFRA-related conditions. ClinVar contains an entry for this variant (Variation ID: 459030). Invitae Evidence Modeling of protein sequence and biophysical properties (such as structural, functional, and spatial information, amino acid conservation, physicochemical variation, residue mobility, and thermodynamic stability) indicates that this missense variant is not expected to disrupt PDGFRA protein function with a negative predictive value of 80%. In summary, the available evidence is currently insufficient to determine the role of this variant in disease. Therefore, it has been classified as a Variant of Uncertain Significance.

CeGaT Center for Human Genetics Tuebingen
Classification: Likely benign. Last evaluated: 2025-07-01. Review status: criteria provided, single submitter. Criteria: CeGaT Center For Human Genetics Tuebingen Variant Classification Criteria Version 2. Collection method: clinical testing. Allele origin: germline. Affected: yes. Observed: 2 variant alleles.
Comment: PDGFRA: BS3:Supporting

Fulgent Genetics
Classification: Uncertain significance for Polyps, multiple and recurrent inflammatory fibroid, gastrointestinal; Idiopathic hypereosinophilic syndrome. Last evaluated: 2024-05-14. Review status: criteria provided, single submitter. Criteria: ACMG Guidelines, 2015. Collection method: clinical testing. Allele origin: germline.

Ambry Genetics
Classification: Uncertain significance for Hereditary cancer-predisposing syndrome. Last evaluated: 2024-03-06. Review status: criteria provided, single submitter. Criteria: Ambry Variant Classification Scheme 2023. Collection method: clinical testing. Allele origin: germline.
Comment: The p.T632M variant (also known as c.1895C>T), located in coding exon 13 of the PDGFRA gene, results from a C to T substitution at nucleotide position 1895. The threonine at codon 632 is replaced by methionine, an amino acid with similar properties. This amino acid position is highly conserved in available vertebrate species. In addition, the in silico prediction for this alteration is inconclusive. Since supporting evidence is limited at this time, the clinical significance of this alteration remains unclear.

Baylor Genetics
Classification: Uncertain significance for Polyps, multiple and recurrent inflammatory fibroid, gastrointestinal. Last evaluated: 2023-12-21. Review status: criteria provided, single submitter. Criteria: ACMG Guidelines, 2015. Collection method: clinical testing. Allele origin: unknown.

Laboratorio de Genetica e Diagnostico Molecular, Hospital Israelita Albert Einstein
Classification: Uncertain significance for Polyps, multiple and recurrent inflammatory fibroid, gastrointestinal. Last evaluated: 2022-09-28. Review status: criteria provided, single submitter. Criteria: ACMG Guidelines, 2015. Collection method: clinical testing. Allele origin: germline. Affected: yes. Observed: 1 variant allele.
Comment: ACMG classification criteria: PM2 supporting

Sema4
Classification: Uncertain significance for Hereditary cancer-predisposing syndrome. Last evaluated: 2021-04-30. Review status: criteria provided, single submitter. Criteria: Sema4 Curation Guidelines. Collection method: curation. Allele origin: germline.
Comment: The PDGFRA c.1895C>T (p.T632M) variant has not been reported in the literature in individuals with a PDGFRA-related disease. This variant was observed in 3/282536 chromosomes from large and broad populations by the Genome Aggregation Database (PMID: 32461654). This variant has been reported in ClinVar (Variation ID: 459030). This variant involves a highly conserved amino acid, and computational analyses do not provide strong support for or against an impact to the protein, though these predictions have not been confirmed by published functional studies. The overall evidence is insufficient to meet ACMG/AMP criteria for classifying it as benign or pathogenic. In summary, the clinical significance of this variant is currently uncertain.

NM_006206.6(PDGFRA):c.1895C>T (p.Thr632Met)

Gene: PDGFRA (platelet derived growth factor receptor alpha; plus strand). Cytogenetic location: 4q12.
Variant type: single nucleotide variant.
Coding change: c.1895C>T on transcript NM_006206.6 (MANE Select); coding-DNA position 1895, C replaced by T.
Protein change: p.Thr632Met; replaces threonine 632 with methionine.
Molecular consequence: missense variant.
Genome position (GRCh38, 1-based): chr4:54,277,899, C>T. VCF-style: chr4-54277899-C-T. GRCh37 (hg19) VCF-style: chr4-55144066-C-T.
Other names: c.1895C>T, p.Thr632Met (NM_001347827.2, NM_001347829.2); c.1970C>T, p.Thr657Met (NM_001347828.2); c.1934C>T, p.Thr645Met (NM_001347830.2); short protein forms T632M, T657M, T645M.
Identifiers: ClinVar variation 459030 (VCV000459030.51), dbSNP rs572964298, ClinGen allele CA2922709.